The following is an entry in ClinVar:

NM_001267550.2(TTN):c.2644C>G (p.Pro882Ala)

Gene: TTN (titin; minus strand). Cytogenetic location: 2q31.2.
Variant type: single nucleotide variant.
Coding change: c.2644C>G on transcript NM_001267550.2 (MANE Select); coding-DNA position 2644, C replaced by G.
Protein change: p.Pro882Ala; replaces proline 882 with alanine.
Molecular consequence: missense variant.
Genome position (GRCh38, 1-based): chr2:178,784,201, G>C on the plus strand (C>G on the coding strand, the complement: TTN is on the minus strand). VCF-style: chr2-178784201-G-C. GRCh37 (hg19) VCF-style: chr2-179648928-G-C.
Other names: c.2644C>G, p.Pro882Ala (NM_001256850.1, NM_133378.4, NM_133379.5); c.2506C>G, p.Pro836Ala (NM_003319.4, NM_133432.3, NM_133437.4); short protein forms P882A, P836A.
Identifiers: ClinVar variation 1792313 (VCV001792313.2), dbSNP rs2093002557, ClinGen allele CA349495935.

ClinVar aggregate classification (germline): Uncertain significance (1 of 4 stars; one submission).

Conditions:
Cardiovascular phenotype. Identifiers: MedGen CN230736.

Allele frequency attached by ClinVar (database versions not stated): gnomAD exomes 0.00001.
gnomAD v4.1: 3 of 1,614,154 alleles (0.00019%); highest among the groups gnomAD compares: Non-Finnish European, 0.000085%; no homozygotes.

Submission:

Ambry Genetics
Classification: Uncertain significance for Cardiovascular phenotype. Last evaluated: 2019-10-07. Review status: criteria provided, single submitter. Criteria: Ambry Variant Classification Scheme 2023. Collection method: clinical testing. Allele origin: germline.
Comment: The p.P836A variant (also known as c.2506C>G), located in coding exon 14 of the TTN gene, results from a C to G substitution at nucleotide position 2506. The proline at codon 836 is replaced by alanine, an amino acid with highly similar properties. This amino acid position is highly conserved in available vertebrate species. In addition, the in silico prediction for this alteration is inconclusive. Since supporting evidence is limited at this time, the clinical significance of this alteration remains unclear.